The following is an entry in ClinVar:

ClinVar aggregate classification (germline): Uncertain significance (1 of 4 stars; one submission).

Conditions:
IFT56-related disorder. Also called: IFT56-related condition.

Submission:

PreventionGenetics, part of Exact Sciences
Classification: Uncertain significance for IFT56-related condition. Last evaluated: 2026-04-09. Review status: criteria provided, single submitter. Criteria: ACMG Guidelines, 2015. Collection method: clinical testing. Allele origin: germline.
Comment: The IFT56 c.1188_1193del6 variant is predicted to result in an in-frame deletion (p.Phe397_Asn398del). To our knowledge, this variant has not been reported in the literature. This variant is reported in 0.00088% of alleles in individuals of European (Non-Finnish) descent in gnomAD. At this time, the clinical significance of this variant is uncertain due to the absence of conclusive functional and genetic evidence.

NM_024926.4(IFT56):c.1182CTTTAA[1] (p.395FN[1])

Gene: IFT56 (intraflagellar transport 56; plus strand). Cytogenetic location: 7q34.
Variant type: Microsatellite.
Coding change: c.1182CTTTAA[1] on transcript NM_024926.4 (MANE Select); one copy of the 6-base unit CTTTAA starting at c.1182; the reference has two copies in a row; one copy, 6 bases deleted.
Protein change: p.395FN[1].
Molecular consequence: inframe deletion.
Genome position (GRCh38, 1-based): chr7:139,178,544-139,178,549, CTTTAA deleted; deleting any 6 consecutive bases within chr7:139,178,538-139,178,549 gives the same sequence; the position shown is the placement nearest the transcript's 3' end. VCF-style (leftmost placement, unchanged base first): chr7-139178537-TCTTTAA-T. GRCh37 (hg19) VCF-style: chr7-138863283-TCTTTAA-T.
Other names: c.1182CTTTAA[1], p.395FN[1] (NM_001144920.3); c.1089CTTTAA[1], p.364FN[1] (NM_001144923.3); c.789CTTTAA[1], p.264FN[1] (NM_001287512.2); c.867CTTTAA[1], p.290FN[1] (NM_001287513.2); c.762CTTTAA[1], p.255FN[1] (NM_001318333.2); c.1152CTTTAA[1], p.385FN[1] (NM_001321740.2); c.864CTTTAA[1], p.289FN[1] (NM_001321741.2).
Identifiers: ClinVar variation 4988763 (VCV004988763.1).